The following is an entry in ClinVar:

ClinVar aggregate classification (germline): Uncertain significance. Review status: criteria provided, multiple submitters, no conflicts (2 of 4 stars). 4 submissions from 4 submitters: Uncertain significance (4). Last evaluated 2025-12-24.

Conditions:
Hereditary cancer-predisposing syndrome. Also called: Hereditary Cancer Syndrome; Tumor predisposition; Neoplastic Syndromes, Hereditary; Hereditary neoplastic syndrome. Identifiers: Orphanet 140162, MedGen C0027672, MeSH D009386, MONDO:0015356.
Tuberous sclerosis syndrome (TSC). Also called: Tuberous sclerosis; Tuberous Sclerosis Complex. Identifiers: Orphanet 805, MedGen C0041341, MONDO:0001734.
Tuberous sclerosis 2 (TSC2). Identifiers: Orphanet 805, MedGen C1860707, MONDO:0013199, OMIM 613254.

Allele frequency attached by ClinVar (database versions not stated): TOPMed below 0.00001.

Submissions (4):

Ambry Genetics
Classification: Uncertain significance for Hereditary cancer-predisposing syndrome. Last evaluated: 2025-12-24. Review status: criteria provided, single submitter. Criteria: Ambry Variant Classification Scheme 2023. Collection method: clinical testing. Allele origin: germline.

Labcorp Genetics (formerly Invitae), Labcorp
Classification: Uncertain significance for Tuberous sclerosis 2. Last evaluated: 2025-09-05. Review status: criteria provided, single submitter. Criteria: Invitae Variant Classification Sherloc (09022015). Collection method: clinical testing. Allele origin: germline.
Comment: This sequence change replaces glycine, which is neutral and non-polar, with arginine, which is basic and polar, at codon 1285 of the TSC2 protein (p.Gly1285Arg). This variant is not present in population databases (gnomAD no frequency). This variant has not been reported in the literature in individuals affected with TSC2-related conditions. ClinVar contains an entry for this variant (Variation ID: 859070). Invitae Evidence Modeling of protein sequence and biophysical properties (such as structural, functional, and spatial information, amino acid conservation, physicochemical variation, residue mobility, and thermodynamic stability) indicates that this missense variant is not expected to disrupt TSC2 protein function with a negative predictive value of 95%. In summary, the available evidence is currently insufficient to determine the role of this variant in disease. Therefore, it has been classified as a Variant of Uncertain Significance.

All of Us Research Program, National Institutes of Health
Classification: Uncertain significance for Tuberous sclerosis syndrome. Last evaluated: 2024-02-05. Review status: criteria provided, single submitter. Criteria: ACMG Guidelines, 2015. Collection method: clinical testing. Allele origin: germline. Inheritance: Autosomal dominant inheritance. Observed: 1 variant allele, 1 heterozygote.
Comment: This missense variant replaces glycine with arginine at codon 1285 of the TSC2 protein. Computational prediction is inconclusive regarding the impact of this variant on protein structure and function (internally defined REVEL score threshold 0.5 < inconclusive < 0.7, PMID: 27666373). To our knowledge, functional studies have not been reported for this variant. This variant has not been reported in individuals affected with TSC2-related disorders in the literature. This variant has not been identified in the general population by the Genome Aggregation Database (gnomAD). The available evidence is insufficient to determine the role of this variant in disease conclusively. Therefore, this variant is classified as a Variant of Uncertain Significance.

This study involves interpretation of variants in research participants for the purpose of population health screening. Participant phenotype was not available at the time of variant classification. Additional details can be found in publication PMID: 35346344, PMCID: PMC8962531

Sema4
Classification: Uncertain significance for Hereditary cancer-predisposing syndrome. Last evaluated: 2021-04-14. Review status: criteria provided, single submitter. Criteria: Sema4 Curation Guidelines. Collection method: curation. Allele origin: germline.
Comment: The TSC2 c.3853G>A (p.G1285R) variant has not been reported in the literature to our knowledge. It was not observed in the large and broad cohorts of the Genome Aggregation Database. The variant has been reported in ClinVar (Variation ID 859070). In silico tools suggest the impact of the variant on protein function is inconclusive, though these predictions have not been confirmed by functional studies. The evidence is insufficient to meet ACMG/AMP criteria for classifying the variant as benign or pathogenic. Thus, the clinical significance of this variant is currently uncertain.

NM_000548.5(TSC2):c.3853G>A (p.Gly1285Arg)

Gene: TSC2 (TSC complex subunit 2; plus strand). Cytogenetic location: 16p13.3.
Variant type: single nucleotide variant.
Coding change: c.3853G>A on transcript NM_000548.5 (MANE Select); coding-DNA position 3853, G replaced by A.
Protein change: p.Gly1285Arg; replaces glycine 1285 with arginine.
Molecular consequence: missense variant. On other transcripts: intron variant (6).
Genome position (GRCh38, 1-based): chr16:2,082,474, G>A. VCF-style: chr16-2082474-G-A. GRCh37 (hg19) VCF-style: chr16-2132475-G-A.
Other names: c.3121G>A, p.Gly1041Arg (NM_001318831.2); c.3721G>A, p.Gly1241Arg (NM_001370404.1); c.3724G>A, p.Gly1242Arg (NM_001370405.1, NM_021055.3); c.3814+676G>A (NM_001114382.3); c.3685+676G>A (NM_001363528.2); c.3682+676G>A (NM_001077183.3); c.3574+676G>A (NM_001318827.2); c.3538+676G>A (NM_001318829.2); and 1 more; short protein forms G1242R, G1285R, G1041R, G1241R.
Identifiers: ClinVar variation 859070 (VCV000859070.15), dbSNP rs2090264891, ClinGen allele CA394295005.
Genomic context (GRCh38, chr16:2,082,474, plus strand): 5'-CGCACACGGCCTTCCCTTGCAGTGGCCTCTTTCTCCTCCCTGTACCAGTCCAGCTGCCAA[G>A]GACAGCTGCACAGGAGCGTTTCCTGGGCAGGTATCGCCTCTCAGAGGGAAGCGGTTGGCT-3'
Protein context (NP_000539.2, residues 1275-1295): FSSLYQSSCQ[Gly1285Arg]QLHRSVSWAD